The following is an entry in ClinVar:

ClinVar aggregate classification (germline): Uncertain significance. Review status: criteria provided, multiple submitters, no conflicts (2 of 4 stars). 2 submissions from 2 submitters: Uncertain significance (2). Last evaluated 2025-11-07.

Conditions:
Familial hypobetalipoproteinemia 1. Also called: APOB-Related Familial Hypobetalipoproteinemia; Hypobetalipoproteinemia, normotriglyceridemic; Acanthocytosis with hypobetalipoproteinemia. Identifiers: MedGen C4551990, MONDO:0014252, OMIM 615558.
Hypercholesterolemia, autosomal dominant, type B (FHCL2). Also called: Familial Hypercholesterolemia Type B; APOLIPOPROTEIN B-100, FAMILIAL DEFECTIVE; APOLIPOPROTEIN B-100, FAMILIAL LIGAND-DEFECTIVE; HYPERCHOLESTEROLEMIA, FAMILIAL, DUE TO LIGAND-DEFECTIVE APOLIPOPROTEIN B; Hyperlipoproteinemia Type IIb; Familial hypercholesterolemia 2. Identifiers: MedGen C1704417, MONDO:0007751, OMIM 144010.
Cardiovascular phenotype. Identifiers: MedGen CN230736.

gnomAD v4.1: 2 of 1,613,906 alleles (0.00012%); highest among the groups gnomAD compares: Admixed American, 0.0033%; no homozygotes.

Submissions (2):

Ambry Genetics
Classification: Uncertain significance for Cardiovascular phenotype. Last evaluated: 2025-11-07. Review status: criteria provided, single submitter. Criteria: Ambry Variant Classification Scheme 2023. Collection method: clinical testing. Allele origin: germline.
Comment: The p.K742E variant (also known as c.2224A>G), located in coding exon 15 of the APOB gene, results from an A to G substitution at nucleotide position 2224. The lysine at codon 742 is replaced by glutamic acid, an amino acid with similar properties. This amino acid position is conserved. In addition, this alteration is predicted to be tolerated by in silico analysis. Based on the available evidence, the clinical significance of this variant remains unclear.

Labcorp Genetics (formerly Invitae), Labcorp
Classification: Uncertain significance for Familial hypobetalipoproteinemia 1; Hypercholesterolemia, autosomal dominant, type B. Last evaluated: 2024-10-15. Review status: criteria provided, single submitter. Criteria: Invitae Variant Classification Sherloc (09022015). Collection method: clinical testing. Allele origin: germline.
Comment: This sequence change replaces lysine, which is basic and polar, with glutamic acid, which is acidic and polar, at codon 742 of the APOB protein (p.Lys742Glu). This variant is not present in population databases (gnomAD no frequency). This variant has not been reported in the literature in individuals affected with APOB-related conditions. Invitae Evidence Modeling of protein sequence and biophysical properties (such as structural, functional, and spatial information, amino acid conservation, physicochemical variation, residue mobility, and thermodynamic stability) indicates that this missense variant is not expected to disrupt APOB protein function with a negative predictive value of 95%. In summary, the available evidence is currently insufficient to determine the role of this variant in disease. Therefore, it has been classified as a Variant of Uncertain Significance.

NM_000384.3(APOB):c.2224A>G (p.Lys742Glu)

Gene: APOB (apolipoprotein B; minus strand). Cytogenetic location: 2p24.1.
Variant type: single nucleotide variant.
Coding change: c.2224A>G on transcript NM_000384.3 (MANE Select); coding-DNA position 2224, A replaced by G.
Protein change: p.Lys742Glu; replaces lysine 742 with glutamic acid.
Molecular consequence: missense variant.
Genome position (GRCh38, 1-based): chr2:21,026,808, T>C on the plus strand (A>G on the coding strand, the complement: APOB is on the minus strand). VCF-style: chr2-21026808-T-C. GRCh37 (hg19) VCF-style: chr2-21249680-T-C.
Other names: c.2224A>G (NM_000384.2); short protein forms K742E.
Identifiers: ClinVar variation 3760470 (VCV003760470.2).